The following is an entry in ClinVar:

NM_015512.5(DNAH1):c.1351A>G (p.Lys451Glu)

Gene: DNAH1 (dynein axonemal heavy chain 1; plus strand). Cytogenetic location: 3p21.1.
Variant type: single nucleotide variant.
Coding change: c.1351A>G on transcript NM_015512.5 (MANE Select); coding-DNA position 1351, A replaced by G.
Protein change: p.Lys451Glu; replaces lysine 451 with glutamic acid.
Molecular consequence: missense variant.
Genome position (GRCh38, 1-based): chr3:52,344,554, A>G. VCF-style: chr3-52344554-A-G. GRCh37 (hg19) VCF-style: chr3-52378570-A-G.
Other names: short protein forms K451E.
Identifiers: ClinVar variation 290747 (VCV000290747.21), dbSNP rs76591348, ClinGen allele CA2432954.
Genomic context (GRCh38, chr3:52,344,554, plus strand): 5'-CTAGAGCACCTCAGCAGTCTTGCCAGAGAAGTGAGCCTGGACTATGAGCGCAGCATGAAC[A>G]AGATCAACTTTGACCACGTTGTCTCTTCCAAGCCCGAGACCTTCTCCTACGTCACCCTCC-3'
Protein context (NP_056327.4, residues 441-461): VSLDYERSMN[Lys451Glu]INFDHVVSSK

ClinVar aggregate classification (germline): Conflicting classifications of pathogenicity. Review status: criteria provided, conflicting classifications (1 of 4 stars). 6 submissions from 6 submitters: Uncertain significance (1); Likely benign (4). 1 of the submissions does not count toward it. Last evaluated 2026-01-25.

Conditions:
DNAH1-related disorder. Also called: DNAH1-related condition.
Spermatogenic failure 18. Identifiers: MedGen C4539783, MONDO:0054615, OMIM 617576.
Ciliary dyskinesia, primary, 37 (CILD37). Also called: CILIARY DYSKINESIA, PRIMARY, 37, WITH OR WITHOUT SITUS INVERSUS. Identifiers: MedGen C4539798, MONDO:0033204, OMIM 617577.

Allele frequency attached by ClinVar (database versions not stated): TOPMed 0.00096; gnomAD exomes 0.00097 and 0.00117; 1000 Genomes Project 0.00100; gnomAD 0.00102 and 0.00103; ExAC 0.00104; 1000 Genomes Project 30x 0.00109; ESP Exome Variant Server 0.00111.
gnomAD v4.1: 1,875 of 1,614,012 alleles (0.12%); highest among the groups gnomAD compares: Middle Eastern, 0.45%; 6 homozygotes.

Submissions (6):

Labcorp Genetics (formerly Invitae), Labcorp
Classification: Likely benign for Ciliary dyskinesia, primary, 37; Spermatogenic failure 18. Last evaluated: 2026-01-25. Review status: criteria provided, single submitter. Criteria: Invitae Variant Classification Sherloc (09022015). Collection method: clinical testing. Allele origin: germline.

Blueprint Genetics
Classification: Likely benign. Last evaluated: 2024-11-19. Review status: criteria provided, single submitter. Criteria: ACMG Guidelines, 2015. Collection method: clinical testing. Allele origin: germline.

Revvity Omics, Revvity
Classification: Likely benign. Last evaluated: 2023-07-20. Review status: criteria provided, single submitter. Criteria: ACMG Guidelines, 2015. Collection method: clinical testing. Allele origin: germline.

ARUP Laboratories, Molecular Genetics and Genomics, ARUP Laboratories
Classification: Likely benign. Last evaluated: 2022-03-31. Review status: criteria provided, single submitter. Criteria: ARUP Molecular Germline Variant Investigation Process 2021. Collection method: clinical testing. Allele origin: germline.

Eurofins Ntd Llc (ga)
Classification: Uncertain significance. Last evaluated: 2016-08-25. Review status: criteria provided, single submitter. Criteria: EGL Classification Definitions 2015. Collection method: clinical testing. Allele origin: germline. Observed: 1 variant allele, 1 heterozygote.

PreventionGenetics, part of Exact Sciences
Classification: Likely benign for DNAH1-related condition. Last evaluated: 2021-01-04. Review status: no assertion criteria provided. Collection method: clinical testing. Allele origin: germline. Not counted in ClinVar's aggregate classification.
Comment: This variant is classified as likely benign based on ACMG/AMP sequence variant interpretation guidelines (Richards et al. 2015 PMID: 25741868, with internal and published modifications).